The following is an entry in ClinVar:

NM_002474.3(MYH11):c.2670C>T (p.Asn890=)

Gene: MYH11 (myosin heavy chain 11; minus strand). Cytogenetic location: 16p13.11.
Variant type: single nucleotide variant.
Coding change: c.2670C>T on transcript NM_002474.3 (MANE Select); coding-DNA position 2670, C replaced by T.
Protein change: p.Asn890=; no amino-acid change (asparagine 890 retained).
Molecular consequence: synonymous variant.
Genome position (GRCh38, 1-based): chr16:15,741,652, G>A on the plus strand (C>T on the coding strand, the complement: MYH11 is on the minus strand). VCF-style: chr16-15741652-G-A. GRCh37 (hg19) VCF-style: chr16-15835509-G-A.
Other names: c.2691C>T, p.Asn897= (NM_001040113.2, NM_001040114.2); c.2670C>T, p.Asn890= (NM_022844.3).
Identifiers: ClinVar variation 796425 (VCV000796425.14), dbSNP rs1596763358, ClinGen allele CA493790603.

ClinVar aggregate classification (germline): Conflicting classifications of pathogenicity. Review status: criteria provided, conflicting classifications (1 of 4 stars). 4 submissions from 4 submitters: Uncertain significance (1); Likely benign (3). Last evaluated 2025-06-30.

Conditions:
Aortic aneurysm, familial thoracic 4 (AAT4). Also called: AORTIC ANEURYSM/AORTIC DISSECTION AND PATENT DUCTUS ARTERIOSUS. Identifiers: MedGen C1851504, MONDO:0007568, OMIM 132900.
Familial thoracic aortic aneurysm and aortic dissection (TAAD). Also called: Thoracic aortic aneurysms and dissections. Identifiers: Orphanet 91387, MedGen C4707243, MONDO:0019625.

Allele frequency attached by ClinVar (database versions not stated): gnomAD exomes below 0.00001.
gnomAD v4.1: 1 of 1,613,694 alleles (0.000062%); highest among the groups gnomAD compares: Non-Finnish European, 0.000085%; no homozygotes.

Submissions (4):

Labcorp Genetics (formerly Invitae), Labcorp
Classification: Likely benign for Aortic aneurysm, familial thoracic 4. Last evaluated: 2025-06-30. Review status: criteria provided, single submitter. Criteria: Invitae Variant Classification Sherloc (09022015). Collection method: clinical testing. Allele origin: germline.

All of Us Research Program, National Institutes of Health
Classification: Likely benign for Familial thoracic aortic aneurysm and aortic dissection. Last evaluated: 2024-07-02. Review status: criteria provided, single submitter. Criteria: ACMG Guidelines, 2015. Collection method: clinical testing. Allele origin: germline. Inheritance: Autosomal dominant inheritance. Observed: 3 variant alleles, 3 heterozygotes.
Comment: This study involves interpretation of variants in research participants for the purpose of population health screening. Participant phenotype was not available at the time of variant classification. Additional details can be found in publication PMID: 35346344, PMCID: PMC8962531

Ambry Genetics
Classification: Uncertain significance for Familial thoracic aortic aneurysm and aortic dissection. Last evaluated: 2022-09-17. Review status: criteria provided, single submitter. Criteria: Ambry Variant Classification Scheme 2023. Collection method: clinical testing. Allele origin: germline.
Comment: The c.2670C>T variant (also known as p.N890N), located in coding exon 21 of the MYH11 gene, results from a C to T substitution at nucleotide position 2670. This nucleotide substitution does not change the asparagine at codon 890. This nucleotide position is not well conserved in available vertebrate species. In silico splice site analysis for this alteration is inconclusive. Since supporting evidence is limited at this time, the clinical significance of this alteration remains unclear.

Blueprint Genetics
Classification: Likely benign. Last evaluated: 2020-04-06. Review status: criteria provided, single submitter. Criteria: ACMG Guidelines, 2015. Collection method: clinical testing. Allele origin: germline.